The following is an entry in ClinVar:

ClinVar aggregate classification (germline): Uncertain significance (1 of 4 stars; one submission).

Conditions:
Epidermolysis bullosa simplex 3, localized or generalized intermediate, with BP230 deficiency (EBS3). Also called: Epidermolysis bullosa simplex, autosomal recessive 2; Epidermolysis bullosa simplex due to BP230 deficiency. Identifiers: Orphanet 412181, MedGen C3809470, MONDO:0014180, OMIM 615425.
Hereditary sensory and autonomic neuropathy type 6. Also called: HSAN VI; Neuropathy, hereditary sensory and autonomic, type VI. Identifiers: Orphanet 314381, MedGen C3539003, MONDO:0013839, OMIM 614653.

Allele frequency attached by ClinVar (database versions not stated): gnomAD exomes 0.00001 and 0.00002; ExAC 0.00002; gnomAD 0.00002; TOPMed 0.00002.
gnomAD v4.1: 11 of 1,613,270 alleles (0.00068%); highest among the groups gnomAD compares: Admixed American, 0.005%; no homozygotes.

Submission:

Labcorp Genetics (formerly Invitae), Labcorp
Classification: Uncertain significance for Epidermolysis bullosa simplex 3, localized or generalized intermediate, with BP230 deficiency; Hereditary sensory and autonomic neuropathy type 6. Last evaluated: 2021-09-02. Review status: criteria provided, single submitter. Criteria: Invitae Variant Classification Sherloc (09022015). Collection method: clinical testing. Allele origin: germline.
Comment: This sequence change replaces lysine with glutamic acid at codon 899 of the DST protein (p.Lys899Glu). The lysine residue is highly conserved and there is a small physicochemical difference between lysine and glutamic acid. This variant is present in population databases (rs747710929, ExAC 0.003%). This variant has not been reported in the literature in individuals affected with DST-related conditions. Algorithms developed to predict the effect of missense changes on protein structure and function (SIFT, PolyPhen-2, Align-GVGD) all suggest that this variant is likely to be disruptive. In summary, the available evidence is currently insufficient to determine the role of this variant in disease. Therefore, it has been classified as a Variant of Uncertain Significance.

NM_001374736.1(DST):c.4306A>G (p.Lys1436Glu)

Gene: DST (dystonin; minus strand). Cytogenetic location: 6p12.1.
Variant type: single nucleotide variant.
Coding change: c.4306A>G on transcript NM_001374736.1 (MANE Select); coding-DNA position 4306, A replaced by G.
Protein change: p.Lys1436Glu; replaces lysine 1436 with glutamic acid.
Molecular consequence: missense variant.
Genome position (GRCh38, 1-based): chr6:56,629,419, T>C on the plus strand (A>G on the coding strand, the complement: DST is on the minus strand). VCF-style: chr6-56629419-T-C. GRCh37 (hg19) VCF-style: chr6-56494217-T-C.
Other names: c.4207A>G, p.Lys1403Glu (NM_001144769.5); c.3793A>G, p.Lys1265Glu (NM_001144770.2); c.4306A>G, p.Lys1436Glu (NM_001374722.1); c.3673A>G, p.Lys1225Glu (NM_001374729.1, NM_001374730.1, NM_001386100.1 and 1 more transcripts); c.4333A>G, p.Lys1445Glu (NM_001374734.1); c.2695A>G, p.Lys899Glu (NM_001723.7, NM_015548.5); short protein forms K1225E, K1265E, K1403E, K1436E, K1445E, K899E.
Identifiers: ClinVar variation 1001170 (VCV001001170.6), dbSNP rs747710929, ClinGen allele CA3870925.
Genomic context (GRCh38, chr6:56,629,419, plus strand): 5'-CATCACTGATGGCTTTAGCTTTCTGCAACTCATCCTCTAAGGCATGGAATACCTGTCTCT[T>C]TTCATCTACTTCAGATCTCCATTGCTAAAATACATTAATTGGTAAAAGTTATAAAAATGT-3'
Protein context (NP_001361665.1, residues 1426-1446): LKQWRSEVDE[Lys1436Glu]RQVFHALEDE